The following is an entry in ClinVar:

NM_000374.5(UROD):c.73G>A (p.Gly25Arg)

Gene: UROD (uroporphyrinogen decarboxylase; plus strand). Cytogenetic location: 1p34.1.
Variant type: single nucleotide variant.
Coding change: c.73G>A on transcript NM_000374.5 (MANE Select); coding-DNA position 73, G replaced by A.
Protein change: p.Gly25Arg; replaces glycine 25 with arginine.
Molecular consequence: missense variant. On other transcripts: non-coding transcript variant (3).
Genome position (GRCh38, 1-based): chr1:45,012,959, G>A. VCF-style: chr1-45012959-G-A. GRCh37 (hg19) VCF-style: chr1-45478631-G-A.
Other names: short protein forms G25R.
Identifiers: ClinVar variation 2752058 (VCV002752058.3), dbSNP rs2522913181, ClinGen allele CA340115763.
Genomic context (GRCh38, chr1:45,012,959, plus strand): 5'-ATCGCCAGACCTCAGGGTTTTCCGGAGCTGAAGAATGACACATTCCTGCGAGCAGCCTGG[G>A]GAGAGGAAACAGACTACACTCCCGTTTGGTGCATGCGCCAGGCAGGCCGTTACTTACCAG-3'
Protein context (NP_000365.3, residues 15-35): KNDTFLRAAW[Gly25Arg]EETDYTPVWC

ClinVar aggregate classification (germline): Uncertain significance (1 of 4 stars; one submission).

Submission:

Labcorp Genetics (formerly Invitae), Labcorp
Classification: Uncertain significance. Last evaluated: 2023-05-30. Review status: criteria provided, single submitter. Criteria: Invitae Variant Classification Sherloc (09022015). Collection method: clinical testing. Allele origin: germline.
Comment: In summary, the available evidence is currently insufficient to determine the role of this variant in disease. Therefore, it has been classified as a Variant of Uncertain Significance. Advanced modeling of protein sequence and biophysical properties (such as structural, functional, and spatial information, amino acid conservation, physicochemical variation, residue mobility, and thermodynamic stability) performed at Invitae indicates that this missense variant is not expected to disrupt UROD protein function. This variant has not been reported in the literature in individuals affected with UROD-related conditions. This variant is not present in population databases (gnomAD no frequency). This sequence change replaces glycine, which is neutral and non-polar, with arginine, which is basic and polar, at codon 25 of the UROD protein (p.Gly25Arg).